The following is an entry in ClinVar:

NM_001457.4(FLNB):c.3277G>A (p.Gly1093Arg)

Gene: FLNB (filamin B; plus strand). Cytogenetic location: 3p14.3.
Variant type: single nucleotide variant.
Coding change: c.3277G>A on transcript NM_001457.4 (MANE Select); coding-DNA position 3277, G replaced by A.
Protein change: p.Gly1093Arg; replaces glycine 1093 with arginine.
Molecular consequence: missense variant.
Genome position (GRCh38, 1-based): chr3:58,123,243, G>A. VCF-style: chr3-58123243-G-A. GRCh37 (hg19) VCF-style: chr3-58108970-G-A.
Other names: c.3277G>A, p.Gly1093Arg (NM_001164317.2, NM_001164318.2, NM_001164319.2); c.3277G>A (NM_001457.3); short protein forms G1093R.
Identifiers: ClinVar variation 2885942 (VCV002885942.4), dbSNP rs2097292059, ClinGen allele CA353348464.

ClinVar aggregate classification (germline): Uncertain significance. Review status: criteria provided, multiple submitters, no conflicts (2 of 4 stars). 2 submissions from 2 submitters: Uncertain significance (2). Last evaluated 2024-12-07.

Conditions:
Inborn genetic diseases. Identifiers: MedGen C0950123, MeSH D030342.

Submissions (2):

Ambry Genetics
Classification: Uncertain significance for Inborn genetic diseases. Last evaluated: 2024-12-07. Review status: criteria provided, single submitter. Criteria: Ambry Variant Classification Scheme 2023. Collection method: clinical testing. Allele origin: germline.

Labcorp Genetics (formerly Invitae), Labcorp
Classification: Uncertain significance. Last evaluated: 2023-05-07. Review status: criteria provided, single submitter. Criteria: Invitae Variant Classification Sherloc (09022015). Collection method: clinical testing. Allele origin: germline.
Comment: In summary, the available evidence is currently insufficient to determine the role of this variant in disease. Therefore, it has been classified as a Variant of Uncertain Significance. Advanced modeling of protein sequence and biophysical properties (such as structural, functional, and spatial information, amino acid conservation, physicochemical variation, residue mobility, and thermodynamic stability) performed at Invitae indicates that this missense variant is not expected to disrupt FLNB protein function. This variant has not been reported in the literature in individuals affected with FLNB-related conditions. This variant is not present in population databases (gnomAD no frequency). This sequence change replaces glycine, which is neutral and non-polar, with arginine, which is basic and polar, at codon 1093 of the FLNB protein (p.Gly1093Arg).